The following is an entry in ClinVar:

ClinVar aggregate classification (germline): Uncertain significance. Review status: criteria provided, multiple submitters, no conflicts (2 of 4 stars). 2 submissions from 2 submitters: Uncertain significance (2). Last evaluated 2025-12-11.

Conditions:
Inborn genetic diseases. Identifiers: MedGen C0950123, MeSH D030342.

gnomAD v4.1: 8 of 1,548,772 alleles (0.00052%); highest among the groups gnomAD compares: Non-Finnish European, 0.00069%; no homozygotes.

Submissions (2):

Ambry Genetics
Classification: Uncertain significance for Inborn genetic diseases. Last evaluated: 2025-12-11. Review status: criteria provided, single submitter. Criteria: Ambry Variant Classification Scheme 2023. Collection method: clinical testing. Allele origin: germline.

GeneDx
Classification: Uncertain significance. Last evaluated: 2024-02-13. Review status: criteria provided, single submitter. Criteria: GeneDx Variant Classification Process June 2021. Collection method: clinical testing. Allele origin: germline. Affected: yes.
Comment: Not observed at significant frequency in large population cohorts (gnomAD); In silico analysis supports that this missense variant does not alter protein structure/function; Has not been previously published as pathogenic or benign to our knowledge

NM_018006.5(TRMU):c.77G>A (p.Arg26Gln)

Gene: TRMU (tRNA mitochondrial 2-thiouridylase; plus strand). Cytogenetic location: 22q13.31.
Variant type: single nucleotide variant.
Coding change: c.77G>A on transcript NM_018006.5 (MANE Select); coding-DNA position 77, G replaced by A.
Protein change: p.Arg26Gln; replaces arginine 26 with glutamine.
Molecular consequence: missense variant. On other transcripts: 5 prime UTR variant (3), non-coding transcript variant (2).
Genome position (GRCh38, 1-based): chr22:46,335,841, G>A. VCF-style: chr22-46335841-G-A. GRCh37 (hg19) VCF-style: chr22-46731738-G-A.
Other names: c.-159G>A (NM_001282782.2); c.-178G>A (NM_001282783.2, NM_001282784.2); c.77G>A, p.Arg26Gln (NM_001282785.2); short protein forms R26Q.
Identifiers: ClinVar variation 3369128 (VCV003369128.2).